The following is an entry in ClinVar:

ClinVar aggregate classification (germline): Uncertain significance (1 of 4 stars; one submission).

Conditions:
Aldosterone-producing adenoma with seizures and neurological abnormalities. Also called: Primary aldosteronism, seizures, and neurologic abnormalities. Identifiers: Orphanet 369929, MedGen C3809609, MONDO:0014200, OMIM 615474.

Submission:

Victorian Clinical Genetics Services, Murdoch Childrens Research Institute
Classification: Uncertain significance for Aldosterone-producing adenoma with seizures and neurological abnormalities. Last evaluated: 2025-08-22. Review status: criteria provided, single submitter. Criteria: ACMG Guidelines, 2015. Collection method: clinical testing. Allele origin: germline. Affected: yes.
Comment: This variant is classified as VUS-3A. Evidence in support of pathogenic classification: Variant is absent from gnomAD (v2, v3 and v4); Missense variant predicted to be damaging by in silico tool(s) or highly conserved with a major amino acid change; Additional information: Variant is predicted to result in a missense amino acid change from Val to Phe; This variant is heterozygous; This gene is associated with both recessive and dominant disease. Missense variants with a gain of function mechanism in the brain-specific isoform, and loss of function in the cardiac-specific isoform results in dominant disease. Loss of function variants (presumably in both isoforms) cause recessive disease (PMID: 36430690, PMID: 30054272); This variant has no previous evidence of pathogenicity. Whilst there have been no reports of this variant identified as a germline variant, it has been reported in the literature in a somatic state in aldosterone producing adenomas, identified in individuals with primary aldosteronism (PMIDs: 29726953, 24866132); No published evidence of segregation with disease has been identified for this variant; No published functional evidence has been identified for this variant; No comparable missense variants have previous evidence for pathogenicity; Variant is located in the annotated ion transport protein domain (DECIPHER); Loss of function and gain of function are known mechanisms of disease in this gene and are associated with sinoatrial node dysfunction and deafness (MIM#614896), and primary aldosteronism, seizures, and neurologic abnormalities (MIM#615474), respectively (PMID: 36430690, PMID: 30054272); Variants in this gene are known to have variable expressivity (PMID: 37122292).

Literature cited by the submitters: PubMed 29726953; PubMed 30054272; PubMed 36430690; PubMed 24866132; PubMed 37122292.

NM_001128840.3(CACNA1D):c.3451G>T (p.Val1151Phe)

Genes: CACNA1D (calcium voltage-gated channel subunit alpha1 D; plus strand), LOC129936904 (ATAC-STARR-seq lymphoblastoid active region 19969; plus strand). Cytogenetic location: 3p21.1.
Variant type: single nucleotide variant.
Coding change: c.3451G>T on transcript NM_001128840.3 (MANE Select); coding-DNA position 3451, G replaced by T.
Protein change: p.Val1151Phe; replaces valine 1151 with phenylalanine.
Molecular consequence: missense variant.
Genome position (GRCh38, 1-based): chr3:53,749,404, G>T. VCF-style: chr3-53749404-G-T. GRCh37 (hg19) VCF-style: chr3-53783431-G-T.
Other names: c.3511G>T, p.Val1171Phe (NM_000720.4); c.3451G>T, p.Val1151Phe (NM_001128839.3); short protein forms V1151F, V1171F.
Identifiers: ClinVar variation 4531906 (VCV004531906.1).
Genomic context (GRCh38, chr3:53,749,404, plus strand): 5'-TTCTTCATCATCTACATCATCATTGTAGCTTTCTTCATGATGAACATCTTTGTGGGCTTT[G>T]TCATCGTTACATTTCAGGAACAAGGAGAAAAAGAGTATAAGAACTGTGAGCTGGACAAAA-3'
Protein context (NP_001122312.1, residues 1141-1161): FFMMNIFVGF[Val1151Phe]IVTFQEQGEK